The following is an entry in ClinVar:

NM_138615.3(DHX30):c.2387C>G (p.Pro796Arg)

Gene: DHX30 (DExH-box helicase 30; plus strand). Cytogenetic location: 3p21.31.
Variant type: single nucleotide variant.
Coding change: c.2387C>G on transcript NM_138615.3 (MANE Select); coding-DNA position 2387, C replaced by G.
Protein change: p.Pro796Arg; replaces proline 796 with arginine.
Molecular consequence: missense variant.
Genome position (GRCh38, 1-based): chr3:47,848,280, C>G. VCF-style: chr3-47848280-C-G. GRCh37 (hg19) VCF-style: chr3-47889770-C-G.
Other names: c.2303C>G, p.Pro768Arg (NM_001330990.2); c.2270C>G, p.Pro757Arg (NM_014966.4); c.2387C>G (NM_138615.2); short protein forms P757R, P768R, P796R.
Identifiers: ClinVar variation 1686619 (VCV001686619.5), dbSNP rs2037707020, ClinGen allele CA352590523.
Genomic context (GRCh38, chr3:47,848,280, plus strand): 5'-TGATCCAGCGCCGGGGCCGGGCGGGCCGCTGCCAGTCCGGCTTTGCCTACCACTTGTTCC[C>G]TCGAAGCCGGCTGGAGAAAATGGTCCCTTTCCAAGTGCCAGAGATCCTGCGCACACCTCT-3'
Protein context (NP_619520.1, residues 786-806): CQSGFAYHLF[Pro796Arg]RSRLEKMVPF

ClinVar aggregate classification (germline): Conflicting classifications of pathogenicity. Review status: criteria provided, conflicting classifications (1 of 4 stars). 3 submissions from 3 submitters: Uncertain significance (2); Likely benign (1). Last evaluated 2024-09-20.

Conditions:
Inborn genetic diseases. Identifiers: MedGen C0950123, MeSH D030342.
Neurodevelopmental disorder with severe motor impairment and absent language. Also called: NEURODEVELOPMENTAL DISORDER WITH VARIABLE MOTOR AND LANGUAGE IMPAIRMENT. Identifiers: Orphanet 647788, MedGen C4540496, MONDO:0060622, OMIM 617804.

Allele frequency attached by ClinVar (database versions not stated): TOPMed below 0.00001.

Submissions (3):

3billion
Classification: Likely benign for Neurodevelopmental disorder with severe motor impairment and absent language. Last evaluated: 2024-09-20. Review status: criteria provided, single submitter. Criteria: ACMG Guidelines, 2015. Collection method: clinical testing. Allele origin: germline. Affected: no.
Comment: The variant was identified in at least one patient who was diagnosed with a different variant in another gene and showed no symptoms related to the gene containing the variant in question.

Ambry Genetics
Classification: Uncertain significance for Inborn genetic diseases. Last evaluated: 2022-12-27. Review status: criteria provided, single submitter. Criteria: Ambry Variant Classification Scheme 2023. Collection method: clinical testing. Allele origin: germline.

Mendelics
Classification: Uncertain significance. Last evaluated: 2022-05-04. Review status: criteria provided, single submitter. Criteria: Mendelics Assertion Criteria 2019. Collection method: clinical testing. Allele origin: germline.